The following is an entry in ClinVar:

ClinVar aggregate classification (germline): Uncertain significance. Review status: criteria provided, multiple submitters, no conflicts (2 of 4 stars). 2 submissions from 2 submitters: Uncertain significance (2). Last evaluated 2024-05-22.

Conditions:
Charcot-Marie-Tooth disease type 2. Also called: Charcot-Marie-Tooth type 2. Identifiers: Orphanet 64746, MedGen C0270914, MONDO:0018993.
Congenital generalized lipodystrophy type 2 (CGL2). Also called: BERARDINELLI SYNDROME; BRUNZELL SYNDROME, BSCL2-RELATED; SEIP SYNDROME; Berardinelli-Seip Congenital Lipodystrophy Type 2. Identifiers: Orphanet 528, Orphanet 696289, MedGen C1720863, MONDO:0010020, OMIM 269700.
Severe neurodegenerative syndrome with lipodystrophy. Also called: ENCEPHALOPATHY, PROGRESSIVE, WITH LIPODYSTROPHY; Encephalopathy, progressive, with or without lipodystrophy. Identifiers: Orphanet 363400, MedGen C4014700, MONDO:0014402, OMIM 615924.
Neuronopathy, distal hereditary motor, type 5C. Also called: DHMN VC; NEURONOPATHY, DISTAL HEREDITARY MOTOR, HARDING TYPE VC; NEUROPATHY, DISTAL HEREDITARY MOTOR, HARDING TYPE VC; SPINAL MUSCULAR ATROPHY, DISTAL, HARDING TYPE VC; NEURONOPATHY, DISTAL HEREDITARY MOTOR, AUTOSOMAL DOMINANT 13. Identifiers: MedGen C5436838, MONDO:0030860, OMIM 619112.
Hereditary spastic paraplegia 17. Also called: Silver spastic paraplegia syndrome; Spastic Paraplegia 17; Autosomal dominant spastic paraplegia type 17; Silver Syndrome; SPASTIC PARAPLEGIA WITH AMYOTROPHY OF HANDS AND FEET. Identifiers: Orphanet 100998, MedGen C2931276, MONDO:0010043, OMIM 270685.

Allele frequency attached by ClinVar (database versions not stated): gnomAD 0.00001.
gnomAD v4.1: 1 of 1,614,096 alleles (0.000062%); highest among the groups gnomAD compares: African/African-American, 0.0013%; no homozygotes.

Submissions (2):

Fulgent Genetics
Classification: Uncertain significance for Congenital generalized lipodystrophy type 2; Hereditary spastic paraplegia 17; Severe neurodegenerative syndrome with lipodystrophy; Neuronopathy, distal hereditary motor, type 5C. Last evaluated: 2024-05-22. Review status: criteria provided, single submitter. Criteria: ACMG Guidelines, 2015. Collection method: clinical testing. Allele origin: germline.

Labcorp Genetics (formerly Invitae), Labcorp
Classification: Uncertain significance for Charcot-Marie-Tooth disease type 2. Last evaluated: 2024-02-14. Review status: criteria provided, single submitter. Criteria: Invitae Variant Classification Sherloc (09022015). Collection method: clinical testing. Allele origin: germline.
Comment: This sequence change replaces proline, which is neutral and non-polar, with alanine, which is neutral and non-polar, at codon 8 of the BSCL2 protein (p.Pro8Ala). This variant is not present in population databases (gnomAD no frequency). This variant has not been reported in the literature in individuals affected with BSCL2-related conditions. ClinVar contains an entry for this variant (Variation ID: 945927). Advanced modeling of protein sequence and biophysical properties (such as structural, functional, and spatial information, amino acid conservation, physicochemical variation, residue mobility, and thermodynamic stability) performed at Invitae indicates that this missense variant is not expected to disrupt BSCL2 protein function with a negative predictive value of 80%. In summary, the available evidence is currently insufficient to determine the role of this variant in disease. Therefore, it has been classified as a Variant of Uncertain Significance.

NM_001122955.4(BSCL2):c.214C>G (p.Pro72Ala)

Genes: HNRNPUL2-BSCL2 (HNRNPUL2-BSCL2 readthrough (NMD candidate); minus strand), BSCL2 (BSCL2 lipid droplet biogenesis associated, seipin; minus strand). Cytogenetic location: 11q12.3.
Variant type: single nucleotide variant.
Coding change: c.214C>G on transcript NM_001122955.4 (MANE Select); coding-DNA position 214, C replaced by G.
Protein change: p.Pro72Ala; replaces proline 72 with alanine.
Molecular consequence: missense variant. On other transcripts: non-coding transcript variant (1).
Genome position (GRCh38, 1-based): chr11:62,705,491, G>C on the plus strand (C>G on the coding strand, the complement: BSCL2 is on the minus strand). VCF-style: chr11-62705491-G-C. GRCh37 (hg19) VCF-style: chr11-62472963-G-C.
Other names: c.22C>G, p.Pro8Ala (NM_001130702.2, NM_032667.6); c.214C>G, p.Pro72Ala (NM_001386027.1, NM_001386028.1); short protein forms P72A, P8A.
Identifiers: ClinVar variation 945927 (VCV000945927.10), dbSNP rs2083513120, ClinGen allele CA380970800.